The following is an entry in ClinVar:

ClinVar aggregate classification (germline): Conflicting classifications of pathogenicity. Review status: criteria provided, conflicting classifications (1 of 4 stars). 3 submissions from 3 submitters: Uncertain significance (1); Likely benign (2). Last evaluated 2024-10-21.

Conditions:
Hypertrophic cardiomyopathy. Also called: HYPERTROPHIC MYOCARDIOPATHY. Identifiers: Orphanet 217569, MedGen C0007194, MeSH D002312, MONDO:0005045, HP:0001639.
Cardiovascular phenotype. Identifiers: MedGen CN230736.
Cardiomyopathy (CMYO). Also called: Cardiomyopathies. Identifiers: Orphanet 167848, MedGen C0878544, MONDO:0004994, HP:0001638. Inheritance: Various modes of inheritance.

Allele frequency attached by ClinVar (database versions not stated): TOPMed below 0.00001.

Submissions (3):

Labcorp Genetics (formerly Invitae), Labcorp
Classification: Likely benign for Hypertrophic cardiomyopathy. Last evaluated: 2024-10-21. Review status: criteria provided, single submitter. Criteria: Invitae Variant Classification Sherloc (09022015). Collection method: clinical testing. Allele origin: germline.

Ambry Genetics
Classification: Uncertain significance for Cardiovascular phenotype. Last evaluated: 2023-03-13. Review status: criteria provided, single submitter. Criteria: Ambry Variant Classification Scheme 2023. Collection method: clinical testing. Allele origin: germline.
Comment: The c.2603-5C>T intronic variant results from a C to T substitution 5 nucleotides upstream from coding exon 26 in the MYBPC3 gene. This nucleotide position is not well conserved in available vertebrate species. In silico splice site analysis predicts that this alteration will not have any significant effect on splicing. Since supporting evidence is limited at this time, the clinical significance of this alteration remains unclear.

Color Diagnostics, LLC DBA Color Health
Classification: Likely benign for Cardiomyopathy. Last evaluated: 2019-08-11. Review status: criteria provided, single submitter. Criteria: ACMG Guidelines, 2015. Collection method: clinical testing. Allele origin: germline.

NM_000256.3(MYBPC3):c.2603-5C>T

Gene: MYBPC3 (myosin binding protein C3; minus strand). Cytogenetic location: 11p11.2.
Variant type: single nucleotide variant.
Coding change: c.2603-5C>T on transcript NM_000256.3 (MANE Select); 5 bases into the intron before coding-DNA position 2603, C replaced by T.
Molecular consequence: intron variant.
Genome position (GRCh38, 1-based): chr11:47,336,016, G>A on the plus strand (C>T on the coding strand, the complement: MYBPC3 is on the minus strand). VCF-style: chr11-47336016-G-A. GRCh37 (hg19) VCF-style: chr11-47357567-G-A.
Identifiers: ClinVar variation 754092 (VCV000754092.14), dbSNP rs753396472, ClinGen allele CA599058150.